The following is an entry in ClinVar:

NM_000435.3(NOTCH3):c.2525C>G (p.Thr842Ser)

Gene: NOTCH3 (notch receptor 3; minus strand). Cytogenetic location: 19p13.12.
Variant type: single nucleotide variant.
Coding change: c.2525C>G on transcript NM_000435.3 (MANE Select); coding-DNA position 2525, C replaced by G.
Protein change: p.Thr842Ser; replaces threonine 842 with serine.
Molecular consequence: missense variant.
Genome position (GRCh38, 1-based): chr19:15,184,336, G>C on the plus strand (C>G on the coding strand, the complement: NOTCH3 is on the minus strand). VCF-style: chr19-15184336-G-C. GRCh37 (hg19) VCF-style: chr19-15295147-G-C.
Other names: short protein forms T842S.
Identifiers: ClinVar variation 1352885 (VCV001352885.8), dbSNP rs1215184250, ClinGen allele CA404519264.
Genomic context (GRCh38, chr19:15,184,336, plus strand): 5'-AGAGCTCCCCTGCACTCACTGGGGTCACAGTCATTGATGTCCTGATCGCAGGAAGGGCCA[G>C]TGTACCCTCCATGGCAGGTGCAGCTGAAACTCCCTGCCAGGTTGGTGCAGATACCATGAG-3'
Protein context (NP_000426.2, residues 832-852): SFSCTCHGGY[Thr842Ser]GPSCDQDIND

ClinVar aggregate classification (germline): Uncertain significance (1 of 4 stars; one submission).

Submission:

Labcorp Genetics (formerly Invitae), Labcorp
Classification: Uncertain significance. Last evaluated: 2021-12-02. Review status: criteria provided, single submitter. Criteria: Invitae Variant Classification Sherloc (09022015). Collection method: clinical testing. Allele origin: germline.
Comment: This variant is not present in population databases (gnomAD no frequency). This variant has not been reported in the literature in individuals affected with NOTCH3-related conditions. Advanced modeling of protein sequence and biophysical properties (such as structural, functional, and spatial information, amino acid conservation, physicochemical variation, residue mobility, and thermodynamic stability) performed at Invitae indicates that this missense variant is not expected to disrupt NOTCH3 protein function. In summary, the available evidence is currently insufficient to determine the role of this variant in disease. Therefore, it has been classified as a Variant of Uncertain Significance. This sequence change replaces threonine, which is neutral and polar, with serine, which is neutral and polar, at codon 842 of the NOTCH3 protein (p.Thr842Ser).